The following is an entry in ClinVar:

ClinVar aggregate classification (germline): Uncertain significance. Review status: criteria provided, multiple submitters, no conflicts (2 of 4 stars). 3 submissions from 3 submitters: Uncertain significance (3). Last evaluated 2026-07-23.

Conditions:
CACNA1C-related disorder. Also called: CACNA1C-related disorders; CACNA1C-related condition. Identifiers: MedGen CN381092, MONDO:0700321.
Cardiovascular phenotype. Identifiers: MedGen CN230736.
Long QT syndrome (LQTS). Identifiers: MedGen C0023976, MeSH D008133, MONDO:0002442. Disease mechanism: loss of function. Inheritance: Various modes of inheritance.
Brugada syndrome. Also called: Sudden unexplained nocturnal death syndrome; Sudden Unexplained Death Syndrome; Sudden Unexplained Nocturnal Death Syndrome (SUNDS); Sudden unexpected nocturnal death syndrome. Identifiers: Orphanet 130, MedGen C1142166, MONDO:0015263.

Allele frequency attached by ClinVar (database versions not stated): gnomAD 0.00001; TOPMed 0.00002; gnomAD exomes 0.00001.

Submissions (3):

PreventionGenetics, part of Exact Sciences
Classification: Uncertain significance for CACNA1C-related condition. Last evaluated: 2026-07-23. Review status: criteria provided, single submitter. Criteria: ACMG Guidelines, 2015. Collection method: clinical testing. Allele origin: germline.
Comment: The CACNA1C c.247C>T variant is predicted to result in the amino acid substitution p.Arg83Trp. To our knowledge, this variant has not been reported in the literature or in a large population database (gnomAD), indicating this variant is rare. At this time, the clinical significance of this variant is uncertain due to the absence of conclusive functional and genetic evidence.

Labcorp Genetics (formerly Invitae), Labcorp
Classification: Uncertain significance for Long QT syndrome. Last evaluated: 2025-06-18. Review status: criteria provided, single submitter. Criteria: Invitae Variant Classification Sherloc (09022015). Collection method: clinical testing. Allele origin: germline.
Comment: This sequence change replaces arginine, which is basic and polar, with tryptophan, which is neutral and slightly polar, at codon 83 of the CACNA1C protein (p.Arg83Trp). This variant is not present in population databases (gnomAD no frequency). This variant has not been reported in the literature in individuals affected with CACNA1C-related conditions. ClinVar contains an entry for this variant (Variation ID: 264632). Invitae Evidence Modeling of protein sequence and biophysical properties (such as structural, functional, and spatial information, amino acid conservation, physicochemical variation, residue mobility, and thermodynamic stability) indicates that this missense variant is expected to disrupt CACNA1C protein function with a positive predictive value of 95%. In summary, the available evidence is currently insufficient to determine the role of this variant in disease. Therefore, it has been classified as a Variant of Uncertain Significance.

Ambry Genetics
Classification: Uncertain significance for Cardiovascular phenotype. Last evaluated: 2024-05-01. Review status: criteria provided, single submitter. Criteria: Ambry Variant Classification Scheme 2023. Collection method: clinical testing. Allele origin: germline.
Comment: The p.R83W variant (also known as c.247C>T), located in coding exon 2 of the CACNA1C gene, results from a C to T substitution at nucleotide position 247. The arginine at codon 83 is replaced by tryptophan, an amino acid with dissimilar properties. This amino acid position is highly conserved in available vertebrate species. In addition, the in silico prediction for this alteration is inconclusive. Since supporting evidence is limited at this time, the clinical significance of this variant remains unclear.

NM_000719.7(CACNA1C):c.247C>T (p.Arg83Trp)

Gene: CACNA1C (calcium voltage-gated channel subunit alpha1 C; plus strand). Cytogenetic location: 12p13.33.
Variant type: single nucleotide variant.
Coding change: c.247C>T on transcript NM_000719.7 (MANE Select); coding-DNA position 247, C replaced by T.
Protein change: p.Arg83Trp; replaces arginine 83 with tryptophan.
Molecular consequence: missense variant.
Genome position (GRCh38, 1-based): chr12:2,115,421, C>T. VCF-style: chr12-2115421-C-T. GRCh37 (hg19) VCF-style: chr12-2224587-C-T.
Other names: c.247C>T, p.Arg83Trp (NM_001129827.2, NM_001129829.2, NM_001129830.3 and 19 more transcripts); short protein forms R83W.
Identifiers: ClinVar variation 264632 (VCV000264632.16), dbSNP rs886039214, ClinGen allele CA10587738.